The following is an entry in ClinVar:

ClinVar aggregate classification (germline): Uncertain significance. Review status: criteria provided, multiple submitters, no conflicts (2 of 4 stars). 2 submissions from 2 submitters: Uncertain significance (2). Last evaluated 2026-02-01.

Conditions:
Cardiovascular phenotype. Identifiers: MedGen CN230736.

Allele frequency attached by ClinVar (database versions not stated): gnomAD exomes below 0.00001; gnomAD 0.00002; TOPMed 0.00002.
gnomAD v4.1: 4 of 1,614,090 alleles (0.00025%); highest among the groups gnomAD compares: African/African-American, 0.0053%; no homozygotes.

Submissions (2):

Labcorp Genetics (formerly Invitae), Labcorp
Classification: Uncertain significance. Last evaluated: 2026-02-01. Review status: criteria provided, single submitter. Criteria: Invitae Variant Classification Sherloc (09022015). Collection method: clinical testing. Allele origin: germline.
Comment: This sequence change replaces phenylalanine, which is neutral and non-polar, with leucine, which is neutral and non-polar, at codon 281 of the ALPK3 protein (p.Phe281Leu). This variant is present in population databases (no rsID available, gnomAD 0.007%). This variant has not been reported in the literature in individuals affected with ALPK3-related conditions. ClinVar contains an entry for this variant (Variation ID: 1424422). An algorithm developed to predict the effect of missense changes on protein structure and function (PolyPhen-2) suggests that this variant is likely to be disruptive. In summary, the available evidence is currently insufficient to determine the role of this variant in disease. Therefore, it has been classified as a Variant of Uncertain Significance.

Ambry Genetics
Classification: Uncertain significance for Cardiovascular phenotype. Last evaluated: 2025-08-31. Review status: criteria provided, single submitter. Criteria: Ambry Variant Classification Scheme 2023. Collection method: clinical testing. Allele origin: germline.
Comment: The p.F281L variant (also known as c.841T>C), located in coding exon 3 of the ALPK3 gene, results from a T to C substitution at nucleotide position 841. The phenylalanine at codon 281 is replaced by leucine, an amino acid with highly similar properties. This amino acid position is conserved. In addition, the in silico prediction for this alteration is inconclusive. Since supporting evidence is limited at this time, the clinical significance of this alteration remains unclear.

NM_020778.5(ALPK3):c.235T>C (p.Phe79Leu)

Gene: ALPK3 (alpha kinase 3; plus strand). Cytogenetic location: 15q25.3.
Variant type: single nucleotide variant.
Coding change: c.235T>C on transcript NM_020778.5 (MANE Select); coding-DNA position 235, T replaced by C.
Protein change: p.Phe79Leu; replaces phenylalanine 79 with leucine.
Molecular consequence: missense variant.
Genome position (GRCh38, 1-based): chr15:84,827,536, T>C. VCF-style: chr15-84827536-T-C. GRCh37 (hg19) VCF-style: chr15-85370767-T-C.
Other names: short protein forms F79L.
Identifiers: ClinVar variation 1424422 (VCV001424422.9), dbSNP rs933537644, ClinGen allele CA273657913.